The following is an entry in ClinVar:

NM_000219.6(KCNE1):c.217C>A (p.His73Asn)

Gene: KCNE1 (potassium voltage-gated channel subfamily E regulatory subunit 1; minus strand). Cytogenetic location: 21q22.12.
Variant type: single nucleotide variant.
Coding change: c.217C>A on transcript NM_000219.6 (MANE Select); coding-DNA position 217, C replaced by A.
Protein change: p.His73Asn; replaces histidine 73 with asparagine.
Molecular consequence: missense variant.
Genome position (GRCh38, 1-based): chr21:34,449,418, G>T on the plus strand (C>A on the coding strand, the complement: KCNE1 is on the minus strand). VCF-style: chr21-34449418-G-T. GRCh37 (hg19) VCF-style: chr21-35821716-G-T.
Other names: c.217C>A, p.His73Asn (NM_001127668.4, NM_001127669.4, NM_001127670.4 and 4 more transcripts); short protein forms H73N.
Identifiers: ClinVar variation 3374354 (VCV003374354.3).
Genomic context (GRCh38, chr21:34,449,418, plus strand): 5'-CCTTGTCCTTCTCTTGCCAGGCATCGGACTCGATGTAGACGTTGAATGGGTCGTTCGAGT[G>T]CTCCAGCTTCTTGGAGCGGATGTAGCTCAGCATGATGCCCAGGGTGAAGAAGCCGAAGAA-3'
Protein context (NP_000210.2, residues 63-83): LSYIRSKKLE[His73Asn]SNDPFNVYIE

ClinVar aggregate classification (germline): Uncertain significance (1 of 4 stars; one submission).

Conditions:
Cardiovascular phenotype. Identifiers: MedGen CN230736.

Submissions (2):

Ambry Genetics
Classification: Uncertain significance for Cardiovascular phenotype. Last evaluated: 2025-07-10. Review status: criteria provided, single submitter. Criteria: Ambry Variant Classification Scheme 2023. Collection method: clinical testing. Allele origin: germline.
Comment: The p.H73N variant (also known as c.217C>A), located in coding exon 1 of the KCNE1 gene, results from a C to A substitution at nucleotide position 217. The histidine at codon 73 is replaced by asparagine, an amino acid with similar properties. In one assay testing KCNE1 function, this variant suggested altered channel function; however, in another assay, this variant showed functionally normal results (Li Y et al. Proc Natl Acad Sci U S A, 2011 May;108:9095-100; Muhammad A et al. Genome Med, 2024 May;16:73). This amino acid position is well conserved in available vertebrate species. In addition, this alteration is predicted to be tolerated by in silico analysis. Based on the available evidence, the clinical significance of this variant remains unclear.

Roden Lab, Vanderbilt University Medical Center
No classification provided (evidence only). Condition: Long QT syndrome 5. Review status: no classification provided. Collection method: in vitro. Allele origin: not applicable. Functional consequence: Effect on ion channel function. Not counted in ClinVar's aggregate classification.
ClinVar note: "not provided" was previously submitted as the classification for the variant. However, the classification appeared to be based only on an observation of functional data so it was converted to no classification on 2025-07-30.

Literature cited by the submitters: PubMed 21576493 (cited by Ambry Genetics); PubMed 38816749 (cited by Ambry Genetics).